The following is an entry in ClinVar:

ClinVar aggregate classification (germline): Uncertain significance (1 of 4 stars; one submission).

Submission:

Labcorp Genetics (formerly Invitae), Labcorp
Classification: Uncertain significance. Last evaluated: 2025-01-27. Review status: criteria provided, single submitter. Criteria: Invitae Variant Classification Sherloc (09022015). Collection method: clinical testing. Allele origin: germline.
Comment: This sequence change falls in intron 7 of the MMP9 gene. It does not directly change the encoded amino acid sequence of the MMP9 protein. It affects a nucleotide within the consensus splice site. This variant is present in population databases (rs769858648, gnomAD 0.02%). This variant has not been reported in the literature in individuals affected with MMP9-related conditions. Variants that disrupt the consensus splice site are a relatively common cause of aberrant splicing (PMID: 17576681, 9536098). Algorithms developed to predict the effect of sequence changes on RNA splicing suggest that this variant is not likely to affect RNA splicing. In summary, the available evidence is currently insufficient to determine the role of this variant in disease. Therefore, it has been classified as a Variant of Uncertain Significance.

Literature cited by the submitters: PubMed 17576681; PubMed 9536098.

NM_004994.3(MMP9):c.1174+3A>G

Gene: MMP9 (matrix metallopeptidase 9; plus strand). Cytogenetic location: 20q13.12.
Variant type: single nucleotide variant.
Coding change: c.1174+3A>G on transcript NM_004994.3 (MANE Select); 3 bases into the intron after coding-DNA position 1174, A replaced by G.
Molecular consequence: intron variant.
Genome position (GRCh38, 1-based): chr20:46,012,316, A>G. VCF-style: chr20-46012316-A-G. GRCh37 (hg19) VCF-style: chr20-44640955-A-G.
Identifiers: ClinVar variation 3616696 (VCV003616696.2).